The following is an entry in ClinVar:

NM_004360.5(CDH1):c.1565C>A (p.Thr522Lys)

Gene: CDH1 (cadherin 1; plus strand). Cytogenetic location: 16q22.1.
Variant type: single nucleotide variant.
Coding change: c.1565C>A on transcript NM_004360.5 (MANE Select); coding-DNA position 1565, C replaced by A.
Protein change: p.Thr522Lys; replaces threonine 522 with lysine.
Molecular consequence: missense variant. On other transcripts: 5 prime UTR variant (1).
Genome position (GRCh38, 1-based): chr16:68,815,759, C>A. VCF-style: chr16-68815759-C-A. GRCh37 (hg19) VCF-style: chr16-68849662-C-A.
Other names: c.1565C>A (LRG_301t1); c.1382C>A, p.Thr461Lys (NM_001317184.2); c.17C>A, p.Thr6Lys (NM_001317185.2); c.-255C>A (NM_001317186.2); short protein forms T522K, T6K, T461K.
Identifiers: ClinVar variation 483244 (VCV000483244.12), dbSNP rs863224725, ClinGen allele CA396463697.

ClinVar aggregate classification (germline): Uncertain significance. Review status: criteria provided, multiple submitters, no conflicts (2 of 4 stars). 3 submissions from 3 submitters: Uncertain significance (3). Last evaluated 2025-09-26.

Conditions:
Hereditary cancer-predisposing syndrome. Also called: Hereditary neoplastic syndrome; Neoplastic Syndromes, Hereditary; Tumor predisposition; Hereditary Cancer Syndrome. Identifiers: Orphanet 140162, MedGen C0027672, MeSH D009386, MONDO:0015356.
Hereditary diffuse gastric adenocarcinoma (HDGC). Also called: DIFFUSE GASTRIC AND LOBULAR BREAST CANCER SYNDROME. Identifiers: Orphanet 26106, MedGen C1708349, MONDO:0007648, OMIM 137215.

Submissions (3):

Ambry Genetics
Classification: Uncertain significance for Hereditary cancer-predisposing syndrome. Last evaluated: 2025-09-26. Review status: criteria provided, single submitter. Criteria: Ambry Variant Classification Scheme 2023. Collection method: clinical testing. Allele origin: germline.
Comment: The p.T522K variant (also known as c.1565C>A), located in coding exon 10 of the CDH1 gene, results from a C to A substitution at nucleotide position 1565. The threonine at codon 522 is replaced by lysine, an amino acid with similar properties. This amino acid position is well conserved in available vertebrate species. In addition, this alteration is predicted to be tolerated by in silico analysis. Since supporting evidence is limited at this time, the clinical significance of this alteration remains unclear.

Labcorp Genetics (formerly Invitae), Labcorp
Classification: Uncertain significance for Hereditary diffuse gastric adenocarcinoma. Last evaluated: 2025-08-31. Review status: criteria provided, single submitter. Criteria: Invitae Variant Classification Sherloc (09022015). Collection method: clinical testing. Allele origin: germline.
Comment: This sequence change replaces threonine, which is neutral and polar, with lysine, which is basic and polar, at codon 522 of the CDH1 protein (p.Thr522Lys). This variant is present in population databases (no rsID available, gnomAD 0.0009%). This variant has not been reported in the literature in individuals affected with CDH1-related conditions. ClinVar contains an entry for this variant (Variation ID: 483244). An algorithm developed to predict the effect of missense changes on protein structure and function (PolyPhen-2) suggests that this variant is likely to be tolerated. In summary, the available evidence is currently insufficient to determine the role of this variant in disease. Therefore, it has been classified as a Variant of Uncertain Significance.

Quest Diagnostics Nichols Institute San Juan Capistrano
Classification: Uncertain significance. Last evaluated: 2020-10-22. Review status: criteria provided, single submitter. Criteria: Quest Diagnostics criteria. Collection method: clinical testing. Allele origin: unknown.